The following is an entry in ClinVar:

NM_000090.4(COL3A1):c.2229+4T>C

Gene: COL3A1 (collagen type III alpha 1 chain; plus strand). Cytogenetic location: 2q32.2.
Variant type: single nucleotide variant.
Coding change: c.2229+4T>C on transcript NM_000090.4 (MANE Select); 4 bases into the intron after coding-DNA position 2229, T replaced by C.
Molecular consequence: intron variant.
Genome position (GRCh38, 1-based): chr2:188,999,581, T>C. VCF-style: chr2-188999581-T-C. GRCh37 (hg19) VCF-style: chr2-189864307-T-C.
Identifiers: ClinVar variation 3716581 (VCV003716581.2).
Genomic context (GRCh38, chr2:188,999,581, plus strand): 5'-CAAGGAATGCCTGGAGAAAGAGGAGGTCTTGGAAGTCCTGGTCCAAAGGGTGACAAGGTG[T>C]TGACTTGTTTTCTCTTAATTGTTCAATAAATCAGTCATTGTAGGTTTTAAAAAAAGCAAC-3'

ClinVar aggregate classification (germline): Uncertain significance (1 of 4 stars; one submission).

Conditions:
Ehlers-Danlos syndrome, type 4 (EDSVASC). Also called: Ehlers-Danlos syndrome vascular type; Ehlers Danlos syndrome, ecchymotic type; Ehlers Danlos syndrome, arterial type; Ehlers Danlos syndrome, Sack-Barabas type; Ehlers-Danlos Syndrome Type IV. Identifiers: Orphanet 286, MedGen C0268338, MONDO:0017314, OMIM 130050.

gnomAD v4.1: 9 of 1,612,014 alleles (0.00056%); highest among the groups gnomAD compares: South Asian, 0.0099%; no homozygotes.

Submission:

Labcorp Genetics (formerly Invitae), Labcorp
Classification: Uncertain significance for Ehlers-Danlos syndrome, type 4. Last evaluated: 2024-11-07. Review status: criteria provided, single submitter. Criteria: Invitae Variant Classification Sherloc (09022015). Collection method: clinical testing. Allele origin: germline.
Comment: This sequence change falls in intron 31 of the COL3A1 gene. It does not directly change the encoded amino acid sequence of the COL3A1 protein. It affects a nucleotide within the consensus splice site. This variant is present in population databases (rs765523758, gnomAD 0.01%). This variant has not been reported in the literature in individuals affected with COL3A1-related conditions. Variants that disrupt the consensus splice site are a relatively common cause of aberrant splicing (PMID: 17576681, 9536098). Algorithms developed to predict the effect of sequence changes on RNA splicing suggest that this variant is not likely to affect RNA splicing. In summary, the available evidence is currently insufficient to determine the role of this variant in disease. Therefore, it has been classified as a Variant of Uncertain Significance.

Literature cited by the submitters: PubMed 17576681; PubMed 9536098.